The following is an entry in ClinVar:

ClinVar aggregate classification (germline): not provided (0 of 4 stars; one submission).

Allele frequency attached by ClinVar (database versions not stated): ExAC 0.00002; gnomAD exomes 0.00002 and 0.00003; TOPMed 0.00002; gnomAD 0.00003 and 0.00004; ESP Exome Variant Server 0.00008.

Submission:

Human Evolutionary Genetics, Institut Pasteur
No classification provided. Review status: no classification provided. Collection method: not provided. Allele origin: germline.
ClinVar note: Converted during submission from untested to not provided.

NM_001282144.2(NLRX1):c.-47A>G

Gene: NLRX1 (NLR family member X1; plus strand). Cytogenetic location: 11q23.3.
Variant type: single nucleotide variant.
Coding change: c.-47A>G on transcript NM_001282144.2 (MANE Select); 47 bases upstream of the start codon, A replaced by G.
Molecular consequence: 5 prime UTR variant.
Genome position (GRCh38, 1-based): chr11:119,171,357, A>G. VCF-style: chr11-119171357-A-G. GRCh37 (hg19) VCF-style: chr11-119042066-A-G.
Other names: c.-47A>G (NM_001282143.2, NM_001282358.2, NM_024618.4).
Identifiers: ClinVar variation 103130 (VCV000103130.2), dbSNP rs199476032, ClinGen allele CA230161.